The following is an entry in ClinVar:

NM_001035.3(RYR2):c.3698A>G (p.Gln1233Arg)

Gene: RYR2 (ryanodine receptor 2; plus strand). Cytogenetic location: 1q43.
Variant type: single nucleotide variant.
Coding change: c.3698A>G on transcript NM_001035.3 (MANE Select); coding-DNA position 3698, A replaced by G.
Protein change: p.Gln1233Arg; replaces glutamine 1233 with arginine.
Molecular consequence: missense variant.
Genome position (GRCh38, 1-based): chr1:237,589,892, A>G. VCF-style: chr1-237589892-A-G. GRCh37 (hg19) VCF-style: chr1-237753192-A-G.
Other names: short protein forms Q1233R.
Identifiers: ClinVar variation 937180 (VCV000937180.11), dbSNP rs1674959238, ClinGen allele CA345396344.
Genomic context (GRCh38, chr1:237,589,892, plus strand): 5'-GTAGGATGAACTTTGGAAAGGATGTCAGCACCTTGAAATATTTCACCATCTGTGGCTTAC[A>G]AGAGGGCTATGAACCATTTGCCGTTAATACAAACAGGGATATTACCATGTGGCTGAGCAA-3'
Protein context (NP_001026.2, residues 1223-1243): TLKYFTICGL[Gln1233Arg]EGYEPFAVNT

ClinVar aggregate classification (germline): Uncertain significance (1 of 4 stars; one submission).

Conditions:
Catecholaminergic polymorphic ventricular tachycardia 1. Also called: RYR2-Related Catecholaminergic Polymorphic Ventricular Tachycardia; VENTRICULAR TACHYCARDIA, CATECHOLAMINERGIC POLYMORPHIC, 1, WITH OR WITHOUT ATRIAL DYSFUNCTION AND/OR DILATED CARDIOMYOPATHY; VENTRICULAR TACHYCARDIA, STRESS-INDUCED POLYMORPHIC 1. Identifiers: Orphanet 3286, MedGen C1631597, MONDO:0011484, OMIM 604772.

Submission:

Labcorp Genetics (formerly Invitae), Labcorp
Classification: Uncertain significance for Catecholaminergic polymorphic ventricular tachycardia 1. Last evaluated: 2023-12-20. Review status: criteria provided, single submitter. Criteria: Invitae Variant Classification Sherloc (09022015). Collection method: clinical testing. Allele origin: germline.
Comment: This sequence change replaces glutamine, which is neutral and polar, with arginine, which is basic and polar, at codon 1233 of the RYR2 protein (p.Gln1233Arg). This variant is not present in population databases (gnomAD no frequency). This variant has not been reported in the literature in individuals affected with RYR2-related conditions. ClinVar contains an entry for this variant (Variation ID: 937180). Advanced modeling of protein sequence and biophysical properties (such as structural, functional, and spatial information, amino acid conservation, physicochemical variation, residue mobility, and thermodynamic stability) performed at Invitae indicates that this missense variant is expected to disrupt RYR2 protein function with a positive predictive value of 95%. In summary, the available evidence is currently insufficient to determine the role of this variant in disease. Therefore, it has been classified as a Variant of Uncertain Significance.